The following is an entry in ClinVar:

ClinVar aggregate classification (germline): Benign. Review status: criteria provided, multiple submitters, no conflicts (2 of 4 stars). 3 submissions from 3 submitters: Benign (3). Last evaluated 2026-02-02.

Conditions:
Dilated cardiomyopathy 1II (CMD1II). Identifiers: Orphanet 154, MedGen C3554649, MONDO:0014073, OMIM 615184.

Allele frequency attached by ClinVar (database versions not stated): 1000 Genomes Project 30x 0.23844; 1000 Genomes Project 0.23762; TOPMed 0.26986; gnomAD 0.26704 and 0.26751.
gnomAD v4.1: 139,790 of 509,026 alleles (27%); highest among the groups gnomAD compares: Admixed American, 33%; 19,715 homozygotes.

Submissions (3):

Labcorp Genetics (formerly Invitae), Labcorp
Classification: Benign for Dilated cardiomyopathy 1II. Last evaluated: 2026-02-02. Review status: criteria provided, single submitter. Criteria: Invitae Variant Classification Sherloc (09022015). Collection method: clinical testing. Allele origin: germline.

GeneDx
Classification: Benign. Last evaluated: 2018-06-14. Review status: criteria provided, single submitter. Criteria: GeneDx Variant Classification (06012015). Collection method: clinical testing. Allele origin: germline. Affected: yes.
Comment: This variant is considered likely benign or benign based on one or more of the following criteria: it is a conservative change, it occurs at a poorly conserved position in the protein, it is predicted to be benign by multiple in silico algorithms, and/or has population frequency not consistent with disease.

Breakthrough Genomics
Classification: Benign. Review status: criteria provided, single submitter. Criteria: ACMG Guidelines, 2015. Collection method: not provided. Allele origin: germline. Inheritance: Autosomal recessive inheritance. Affected: yes.

NM_001885.3(CRYAB):c.-198-51C>G

Gene: CRYAB (crystallin alpha B; minus strand). Cytogenetic location: 11q23.1.
Variant type: single nucleotide variant.
Coding change: c.-198-51C>G on transcript NM_001885.3; 51 bases into the intron before 198 bases upstream of the start codon, C replaced by G.
Molecular consequence: intron variant.
Genome position (GRCh38, 1-based): chr11:111,911,973, G>C on the plus strand (C>G on the coding strand, the complement: CRYAB is on the minus strand). VCF-style: chr11-111911973-G-C. GRCh37 (hg19) VCF-style: chr11-111782697-G-C.
Other names: c.-198-51C>G (NM_001368245.1, NM_001289807.1).
Identifiers: ClinVar variation 680264 (VCV000680264.11), dbSNP rs14133, ClinGen allele CA16429396.